The following is an entry in ClinVar:

ClinVar aggregate classification (germline): Uncertain significance (1 of 4 stars; one submission).

Allele frequency attached by ClinVar (database versions not stated): gnomAD exomes 0.00001; TOPMed 0.00001; ExAC 0.00001; gnomAD 0.00001.
gnomAD v4.1: 10 of 1,603,612 alleles (0.00062%); highest among the groups gnomAD compares: South Asian, 0.0022%; no homozygotes.

Submission:

Labcorp Genetics (formerly Invitae), Labcorp
Classification: Uncertain significance. Last evaluated: 2024-12-26. Review status: criteria provided, single submitter. Criteria: Invitae Variant Classification Sherloc (09022015). Collection method: clinical testing. Allele origin: germline.
Comment: This sequence change affects codon 4631 of the ADGRV1 mRNA. It is a 'silent' change, meaning that it does not change the encoded amino acid sequence of the ADGRV1 protein. It affects a nucleotide within the consensus splice site. This variant is present in population databases (rs779272955, gnomAD 0.002%). This variant has not been reported in the literature in individuals affected with ADGRV1-related conditions. ClinVar contains an entry for this variant (Variation ID: 1442400). Algorithms developed to predict the effect of sequence changes on RNA splicing suggest that this variant is not likely to affect RNA splicing. In summary, the available evidence is currently insufficient to determine the role of this variant in disease. Therefore, it has been classified as a Variant of Uncertain Significance.

NM_032119.4(ADGRV1):c.13893C>T (p.Thr4631=)

Gene: ADGRV1 (adhesion G protein-coupled receptor V1; plus strand). Cytogenetic location: 5q14.3.
Variant type: single nucleotide variant.
Coding change: c.13893C>T on transcript NM_032119.4 (MANE Select); coding-DNA position 13893, C replaced by T.
Protein change: p.Thr4631=; no amino-acid change (threonine 4631 retained).
Molecular consequence: synonymous variant. On other transcripts: non-coding transcript variant (1).
Genome position (GRCh38, 1-based): chr5:90,788,310, C>T. VCF-style: chr5-90788310-C-T. GRCh37 (hg19) VCF-style: chr5-90084127-C-T.
Identifiers: ClinVar variation 1442400 (VCV001442400.6), dbSNP rs779272955, ClinGen allele CA3341633.